The following is an entry in ClinVar:

ClinVar aggregate classification (germline): Conflicting classifications of pathogenicity. Review status: criteria provided, conflicting classifications (1 of 4 stars). 2 submissions from 2 submitters: Uncertain significance (1); Likely benign (1). Last evaluated 2025-11-03.

Allele frequency attached by ClinVar (database versions not stated): gnomAD 0.00002.
gnomAD v4.1: 7 of 1,611,066 alleles (0.00043%); highest among the groups gnomAD compares: Admixed American, 0.0033%; no homozygotes.

Submissions (2):

Labcorp Genetics (formerly Invitae), Labcorp
Classification: Likely benign. Last evaluated: 2025-11-03. Review status: criteria provided, single submitter. Criteria: Invitae Variant Classification Sherloc (09022015). Collection method: clinical testing. Allele origin: germline.

GeneDx
Classification: Uncertain significance. Last evaluated: 2023-10-06. Review status: criteria provided, single submitter. Criteria: GeneDx Variant Classification Process June 2021. Collection method: clinical testing. Allele origin: germline. Affected: yes.
Comment: Not observed at significant frequency in large population cohorts (gnomAD); In silico analysis supports that this missense variant does not alter protein structure/function; In silico analysis is inconclusive as to whether the variant alters gene splicing. In the absence of RNA/functional studies, the actual effect of this sequence change is unknown.; Has not been previously published as pathogenic or benign to our knowledge

NM_080680.3(COL11A2):c.1364G>A (p.Arg455Gln)

Gene: COL11A2 (collagen type XI alpha 2 chain; minus strand). Cytogenetic location: 6p21.32.
Variant type: single nucleotide variant.
Coding change: c.1364G>A on transcript NM_080680.3 (MANE Select); coding-DNA position 1364, G replaced by A.
Protein change: p.Arg455Gln; replaces arginine 455 with glutamine.
Molecular consequence: missense variant.
Genome position (GRCh38, 1-based): chr6:33,179,801, C>T on the plus strand (G>A on the coding strand, the complement: COL11A2 is on the minus strand). VCF-style: chr6-33179801-C-T. GRCh37 (hg19) VCF-style: chr6-33147578-C-T.
Other names: c.1043G>A, p.Arg348Gln (NM_080679.3); c.1106G>A, p.Arg369Gln (NM_080681.3); c.1364G>A (NM_080680.2); short protein forms R369Q, R348Q, R455Q.
Identifiers: ClinVar variation 1388251 (VCV001388251.9), dbSNP rs781138300, ClinGen allele CA363606092.